The following is an entry in ClinVar:

ClinVar aggregate classification (germline): Conflicting classifications of pathogenicity. Review status: criteria provided, conflicting classifications (1 of 4 stars). 2 submissions from 2 submitters: Uncertain significance (1); Benign (1). Last evaluated 2025-11-05.

gnomAD v4.1: 1 of 1,211,763 alleles (0.000083%); no homozygotes.

Submissions (2):

Ambry Genetics
Classification: Uncertain significance. Last evaluated: 2025-11-05. Review status: criteria provided, single submitter. Criteria: Ambry Variant Classification Scheme 2023. Collection method: clinical testing. Allele origin: germline.
Comment: The c.2394A>T (p.L798F) alteration is located in exon 3 (coding exon 2) of the KIAA2022 gene. This alteration results from a A to T substitution at nucleotide position 2394, causing the leucine (L) at amino acid position 798 to be replaced by a phenylalanine (F). Based on data from gnomAD, the T allele has an overall frequency of <0.001% (1/183141) total alleles studied. The highest observed frequency was <0.001% (/) of alleles. Based on insufficient or conflicting evidence, the clinical significance of this alteration remains unclear.

Labcorp Genetics (formerly Invitae), Labcorp
Classification: Benign. Last evaluated: 2023-10-03. Review status: criteria provided, single submitter. Criteria: Invitae Variant Classification Sherloc (09022015). Collection method: clinical testing. Allele origin: germline.

NM_001008537.3(NEXMIF):c.2394A>T (p.Leu798Phe)

Gene: NEXMIF (neurite extension and migration factor; minus strand). Cytogenetic location: Xq13.3.
Variant type: single nucleotide variant.
Coding change: c.2394A>T on transcript NM_001008537.3 (MANE Select); coding-DNA position 2394, A replaced by T.
Protein change: p.Leu798Phe; replaces leucine 798 with phenylalanine.
Molecular consequence: missense variant.
Genome position (GRCh38, 1-based): chrX:74,742,163, T>A on the plus strand (A>T on the coding strand, the complement: NEXMIF is on the minus strand). VCF-style: chrX-74742163-T-A. GRCh37 (hg19) VCF-style: chrX-73961998-T-A.
Other names: c.2394A>T (NM_001008537.2); short protein forms L798F.
Identifiers: ClinVar variation 2792301 (VCV002792301.4), dbSNP rs1159680987, ClinGen allele CA413668314.
Genomic context (GRCh38, chrX:74,742,163, plus strand): 5'-CAATGTCTGCAGATACCCTCCCGGGATAACAGGTATATTAGTGGTAACATTAGCAGATGA[T>A]AAAGGCATTTCAGAAGAGCATGTCGTTGGTAGAAAAGTGGAACTCTTAGCAGCCTTTGCC-3'
Protein context (NP_001008537.1, residues 788-808): LPTTCSSEMP[Leu798Phe]SSANVTTNIP